The following is an entry in ClinVar:

ClinVar aggregate classification (germline): Benign (1 of 4 stars; one submission).

Conditions:
Fanconi anemia complementation group J. Also called: BRIP1-Related Fanconi Anemia. Identifiers: Orphanet 84, MedGen C1836860, MONDO:0012187, OMIM 609054.

Allele frequency attached by ClinVar (database versions not stated): gnomAD exomes 0.00071; gnomAD 0.00340 and 0.00355; TOPMed 0.00402; 1000 Genomes Project 0.00599; 1000 Genomes Project 30x 0.00687.
gnomAD v4.1: 554 of 203,242 alleles (0.27%); highest among the groups gnomAD compares: African/African-American, 1.2%; 4 homozygotes.

Submission:

Illumina Laboratory Services, Illumina
Classification: Benign for Fanconi anemia complementation group J. Last evaluated: 2018-01-13. Review status: criteria provided, single submitter. Criteria: ICSL Variant Classification Criteria 13 December 2019. Collection method: clinical testing. Allele origin: germline.
Comment: This variant was observed in the ICSL laboratory as part of a predisposition screen in an ostensibly healthy population. It had not been previously curated by ICSL or reported in the Human Gene Mutation Database (HGMD: prior to June 1st, 2018), and was therefore a candidate for classification through an automated scoring system. Utilizing variant allele frequency, disease prevalence and penetrance estimates, and inheritance mode, an automated score was calculated to assess if this variant is too frequent to cause the disease. Based on the score and internal cut-off values, a variant classified as benign is not then subjected to further curation. The score for this variant resulted in a classification of benign for this disease.

NM_032043.3(BRIP1):c.*1263A>G

Gene: BRIP1 (BRCA1 interacting DNA helicase 1; minus strand). Cytogenetic location: 17q23.2.
Variant type: single nucleotide variant.
Coding change: c.*1263A>G on transcript NM_032043.3 (MANE Select); 1263 bases downstream of the stop codon, A replaced by G.
Molecular consequence: 3 prime UTR variant.
Genome position (GRCh38, 1-based): chr17:61,682,033, T>C on the plus strand (A>G on the coding strand, the complement: BRIP1 is on the minus strand). VCF-style: chr17-61682033-T-C. GRCh37 (hg19) VCF-style: chr17-59759394-T-C.
Identifiers: ClinVar variation 324329 (VCV000324329.5), dbSNP rs73991940, ClinGen allele CA10646332.
Genomic context (GRCh38, chr17:61,682,033, plus strand): 5'-GAATAACAGATGTTTCTTAAAAAGAGATCAATGAATGTATTTTTGGAATGATGTCAGAGA[T>C]GAGCCTCTTTTATAATCATTTTTGATTAGACATATAGCTTCATTCACAAAAACACAAACA-3'